The following is an entry in ClinVar:

ClinVar aggregate classification (germline): Benign. Review status: criteria provided, multiple submitters, no conflicts (2 of 4 stars). 2 submissions from 2 submitters: Benign (2). Last evaluated 2018-06-14.

Allele frequency attached by ClinVar (database versions not stated): 1000 Genomes Project 0.15515; 1000 Genomes Project 30x 0.15849; TOPMed 0.25904; gnomAD 0.28324 and 0.28966; gnomAD exomes 0.32368.
gnomAD v4.1: 185,162 of 590,994 alleles (31%); highest among the groups gnomAD compares: Non-Finnish European, 38%; 33,661 homozygotes.

Submissions (2):

GeneDx
Classification: Benign. Last evaluated: 2018-06-14. Review status: criteria provided, single submitter. Criteria: GeneDx Variant Classification (06012015). Collection method: clinical testing. Allele origin: germline. Affected: yes.
Comment: This variant is considered likely benign or benign based on one or more of the following criteria: it is a conservative change, it occurs at a poorly conserved position in the protein, it is predicted to be benign by multiple in silico algorithms, and/or has population frequency not consistent with disease.

Breakthrough Genomics
Classification: Benign. Review status: criteria provided, single submitter. Criteria: ACMG Guidelines, 2015. Collection method: not provided. Allele origin: germline. Inheritance: Autosomal recessive inheritance. Affected: yes.

NM_030962.4(SBF2):c.4933-215G>A

Genes: SBF2 (SET binding factor 2; minus strand), SBF2-AS1 (SBF2 antisense RNA 1; plus strand), LOC105369149 (uncharacterized LOC105369149; plus strand). Cytogenetic location: 11p15.4.
Variant type: single nucleotide variant.
Coding change: c.4933-215G>A on transcript NM_030962.4 (MANE Select); 215 bases into the intron before coding-DNA position 4933, G replaced by A.
Molecular consequence: intron variant.
Genome position (GRCh38, 1-based): chr11:9,787,953, C>T on the plus strand (G>A on the coding strand, the complement: SBF2 is on the minus strand). VCF-style: chr11-9787953-C-T. GRCh37 (hg19) VCF-style: chr11-9809500-C-T.
Other names: c.4804-215G>A (NM_001386342.1); c.5029-215G>A (NM_001386339.1).
Identifiers: ClinVar variation 669270 (VCV000669270.2), dbSNP rs4910505, ClinGen allele CA13477685.